The following is an entry in ClinVar:

ClinVar aggregate classification (germline): Pathogenic (1 of 4 stars; one submission).

Submission:

Quest Diagnostics Nichols Institute San Juan Capistrano
Classification: Pathogenic. Last evaluated: 2024-06-19. Review status: criteria provided, single submitter. Criteria: ACMG/ClinGen CNV Guidelines, 2019. Collection method: clinical testing. Allele origin: unknown.
Comment: This deletion of 17p13.3 is consistent with the 17p13.3 microdeletion region associated with Miller-Dieker lissencephaly syndrome (OMIM 247200; ISCA-37430; Brock 2021, Zhang 2022) and contains haploinsufficient gene PAFAH1B1 (OMIM 601545; ISCA-37430). Thus, this copy number variant (CNV) is classified as pathogenic. References: Brock et al., GeneReviews [2021 Mar 25]. PMID: 20301752; Zhang et al., Eur J Obstet Gynecol Reprod Biol. 2022 Jul:274:28-32. PMID: 35567955

GRCh37/hg19 17p13.3-13.2(chr17:9475-3793447)x1

Genes: ABR (ABR activator of RhoGEF and GTPase; minus strand), ASPA (aspartoacylase; plus strand), BHLHA9 (basic helix-loop-helix family member a9; plus strand), CAMKK1 (calcium/calmodulin dependent protein kinase kinase 1; minus strand), CLUH (CLUH binding protein of NUMT mRNA; minus strand) and 64 more. Cytogenetic location: 17p13.3-13.2.
Variant type: copy number loss.
Change: copy number 1 (one copy instead of two) of chr17:9,475-3,793,447 (3.78 Mb, GRCh37 coordinates, 1-based), cytogenetic band 17p13.3-13.2.
Identifiers: ClinVar variation 3391933 (VCV003391933.1).